The following is an entry in ClinVar:

NM_001142864.4(PIEZO1):c.1440A>G (p.Leu480=)

Genes: HSALR1 (HSP90AB1 associated lncRNA 1; plus strand), PIEZO1 (piezo type mechanosensitive ion channel component 1 (Er blood group); minus strand). Cytogenetic location: 16q24.3.
Variant type: single nucleotide variant.
Coding change: c.1440A>G on transcript NM_001142864.4 (MANE Select); coding-DNA position 1440, A replaced by G.
Protein change: p.Leu480=; no amino-acid change (leucine 480 retained).
Molecular consequence: synonymous variant.
Genome position (GRCh38, 1-based): chr16:88,736,265, T>C on the plus strand (A>G on the coding strand, the complement: PIEZO1 is on the minus strand). VCF-style: chr16-88736265-T-C. GRCh37 (hg19) VCF-style: chr16-88802673-T-C.
Other names: p.Leu480=.
Identifiers: ClinVar variation 4684151 (VCV004684151.1).

ClinVar aggregate classification (germline): Likely benign (1 of 4 stars; one submission).

gnomAD v4.1: 33 of 1,549,948 alleles (0.0021%); highest among the groups gnomAD compares: Admixed American, 0.0039%; no homozygotes.

Submission:

Mayo Clinic Laboratories, Mayo Clinic
Classification: Likely benign. Last evaluated: 2024-12-05. Review status: criteria provided, single submitter. Criteria: ACMG Guidelines, 2015. Collection method: clinical testing. Allele origin: germline. Observed: 1 variant allele.
Comment: BP4, BP7, PM2_supporting